The following is an entry in ClinVar:

NM_000214.3(JAG1):c.765C>T (p.Tyr255=)

Gene: JAG1 (jagged canonical Notch ligand 1; minus strand). Cytogenetic location: 20p12.2.
Variant type: single nucleotide variant.
Coding change: c.765C>T on transcript NM_000214.3 (MANE Select); coding-DNA position 765, C replaced by T.
Protein change: p.Tyr255=; no amino-acid change (tyrosine 255 retained).
Molecular consequence: synonymous variant.
Genome position (GRCh38, 1-based): chr20:10,652,589, G>A on the plus strand (C>T on the coding strand, the complement: JAG1 is on the minus strand). VCF-style: chr20-10652589-G-A. GRCh37 (hg19) VCF-style: chr20-10633237-G-A.
Other names: p.Tyr255=; c.765C>T, p.Tyr255= (LRG_1191t1).
Identifiers: ClinVar variation 143063 (VCV000143063.32), dbSNP rs1131695, ClinGen allele CA232810.

ClinVar aggregate classification (germline): Benign. Review status: criteria provided, multiple submitters, no conflicts (2 of 4 stars). 16 submissions from 14 submitters: Benign (11). 5 of the submissions do not count toward it. Last evaluated 2026-02-04.

Conditions:
Isolated Nonsyndromic Congenital Heart Disease.
Cardiovascular phenotype. Identifiers: MedGen CN230736.
Tetralogy of Fallot (TOF). Identifiers: Orphanet 3303, MedGen C0039685, MONDO:0008542, OMIM 187500, HP:0001636.
Alagille syndrome due to a JAG1 point mutation. Also called: JAG1-Related Alagille Syndrome; Alagille Syndrome 1; HEPATIC DUCTULAR HYPOPLASIA, SYNDROMATIC. Identifiers: Orphanet 261619, Orphanet 52, MedGen C1956125, MONDO:0016862, OMIM 118450.
Deafness, congenital heart defects, and posterior embryotoxon (DCHE). Identifiers: MedGen C1866053, MONDO:0060713, OMIM 617992.

Allele frequency attached by ClinVar (database versions not stated): 1000 Genomes Project 0.42332; ESP Exome Variant Server 0.42465; 1000 Genomes Project 30x 0.42739; TOPMed 0.42761; gnomAD 0.42930 and 0.43151; ExAC 0.45407; gnomAD exomes 0.45587 and 0.45591.
gnomAD v4.1: 732,046 of 1,612,802 alleles (45%); highest among the groups gnomAD compares: Middle Eastern, 56%; 168,141 homozygotes.

Submissions (16):

Labcorp Genetics (formerly Invitae), Labcorp
Classification: Benign for Alagille syndrome due to a JAG1 point mutation. Last evaluated: 2026-02-04. Review status: criteria provided, single submitter. Criteria: Invitae Variant Classification Sherloc (09022015). Collection method: clinical testing. Allele origin: germline.

Blueprint Genetics
Classification: Benign. Last evaluated: 2024-11-28. Review status: criteria provided, single submitter. Criteria: ACMG Guidelines, 2015. Collection method: clinical testing. Allele origin: germline.

Women's Health and Genetics/Laboratory Corporation of America, LabCorp
Classification: Benign. Last evaluated: 2023-04-04. Review status: criteria provided, single submitter. Criteria: LabCorp Variant Classification Summary - May 2015. Collection method: clinical testing. Allele origin: germline.

Mayo Clinic Laboratories, Mayo Clinic
Classification: Benign. Last evaluated: 2022-04-29. Review status: criteria provided, single submitter. Criteria: ACMG Guidelines, 2015. Collection method: clinical testing. Allele origin: germline. Observed: 565 variant alleles.

Genome-Nilou Lab
Classification: Benign for Deafness, congenital heart defects, and posterior embryotoxon. Last evaluated: 2021-08-19. Review status: criteria provided, single submitter. Criteria: ACMG Guidelines, 2015. Collection method: clinical testing. Allele origin: germline. Affected: no.

Genome-Nilou Lab
Classification: Benign for Alagille syndrome due to a JAG1 point mutation. Last evaluated: 2021-08-19. Review status: criteria provided, single submitter. Criteria: ACMG Guidelines, 2015. Collection method: clinical testing. Allele origin: germline. Affected: no.

Genome-Nilou Lab
Classification: Benign for Tetralogy of Fallot. Last evaluated: 2021-08-19. Review status: criteria provided, single submitter. Criteria: ACMG Guidelines, 2015. Collection method: clinical testing. Allele origin: germline. Affected: no.

Illumina Laboratory Services, Illumina
Classification: Benign for Isolated Nonsyndromic Congenital Heart Disease. Last evaluated: 2017-04-27. Review status: criteria provided, single submitter. Criteria: ICSL Variant Classification Criteria 13 December 2019. Collection method: clinical testing. Allele origin: germline.
Comment: This variant was observed as part of a predisposition screen in an ostensibly healthy population. A literature search was performed for the gene, cDNA change, and amino acid change (where applicable). No publications were found based on this search. Allele frequency data from public databases was too high to be consistent with this variant causing disease. Therefore, this variant is classified as benign.

Ambry Genetics
Classification: Benign for Cardiovascular phenotype. Last evaluated: 2015-06-23. Review status: criteria provided, single submitter. Criteria: Ambry Variant Classification Scheme 2023. Collection method: clinical testing. Allele origin: germline.

Breakthrough Genomics
Classification: Benign. Review status: criteria provided, single submitter. Criteria: ACMG Guidelines, 2015. Collection method: not provided. Allele origin: germline. Inheritance: Autosomal dominant inheritance. Affected: yes.

PreventionGenetics, part of Exact Sciences
Classification: Benign. Review status: criteria provided, single submitter. Criteria: ACMG Guidelines, 2015. Collection method: clinical testing. Allele origin: germline.

Clinical Genetics, Academic Medical Center
Classification: Benign. Review status: no assertion criteria provided. Collection method: clinical testing. Allele origin: germline. Affected: yes. Study: VKGL Data-share Consensus. Not counted in ClinVar's aggregate classification.

Department of Ophthalmology and Visual Sciences Kyoto University
Classification: Likely benign. Review status: no assertion criteria provided. Collection method: not provided. Allele origin: unknown. Not counted in ClinVar's aggregate classification.
ClinVar note: Converted during submission from probable-non-pathogenic to Likely benign.

Diagnostic Laboratory, Department of Genetics, University Medical Center Groningen
Classification: Benign. Review status: no assertion criteria provided. Collection method: clinical testing. Allele origin: germline. Affected: yes. Study: VKGL Data-share Consensus. Not counted in ClinVar's aggregate classification.

Genome Diagnostics Laboratory, University Medical Center Utrecht
Classification: Benign. Review status: no assertion criteria provided. Collection method: clinical testing. Allele origin: germline. Affected: yes. Study: VKGL Data-share Consensus. Not counted in ClinVar's aggregate classification.

Joint Genome Diagnostic Labs from Nijmegen and Maastricht, Radboudumc and MUMC+
Classification: Likely benign. Review status: no assertion criteria provided. Collection method: clinical testing. Allele origin: germline. Affected: yes. Study: VKGL Data-share Consensus. Not counted in ClinVar's aggregate classification.